The following is an entry in ClinVar:

ClinVar aggregate classification (germline): Uncertain significance (1 of 4 stars; one submission).

Submission:

Labcorp Genetics (formerly Invitae), Labcorp
Classification: Uncertain significance. Last evaluated: 2022-04-12. Review status: criteria provided, single submitter. Criteria: Invitae Variant Classification Sherloc (09022015). Collection method: clinical testing. Allele origin: germline.
Comment: Algorithms developed to predict the effect of missense changes on protein structure and function are either unavailable or do not agree on the potential impact of this missense change (SIFT: "Deleterious"; PolyPhen-2: "Benign"; Align-GVGD: "Class C0"). In summary, the available evidence is currently insufficient to determine the role of this variant in disease. Therefore, it has been classified as a Variant of Uncertain Significance. This variant has not been reported in the literature in individuals affected with ADAMTS10-related conditions. This variant is not present in population databases (gnomAD no frequency). This sequence change replaces arginine, which is basic and polar, with proline, which is neutral and non-polar, at codon 27 of the ADAMTS10 protein (p.Arg27Pro).

NM_030957.4(ADAMTS10):c.80G>C (p.Arg27Pro)

Gene: ADAMTS10 (ADAM metallopeptidase with thrombospondin type 1 motif 10; minus strand). Cytogenetic location: 19p13.2.
Variant type: single nucleotide variant.
Coding change: c.80G>C on transcript NM_030957.4 (MANE Select); coding-DNA position 80, G replaced by C.
Protein change: p.Arg27Pro; replaces arginine 27 with proline.
Molecular consequence: missense variant.
Genome position (GRCh38, 1-based): chr19:8,605,631, C>G on the plus strand (G>C on the coding strand, the complement: ADAMTS10 is on the minus strand). VCF-style: chr19-8605631-C-G. GRCh37 (hg19) VCF-style: chr19-8670516-C-G.
Other names: short protein forms R27P.
Identifiers: ClinVar variation 2041406 (VCV002041406.4), dbSNP rs573590661, ClinGen allele CA403758005.